The following is an entry in ClinVar:

ClinVar aggregate classification (germline): Pathogenic/Likely pathogenic. Review status: criteria provided, multiple submitters, no conflicts (2 of 4 stars). 4 submissions from 4 submitters: Pathogenic (2); Likely pathogenic (1). 1 of the submissions does not count toward it. Last evaluated 2025-09-10.

Conditions:
CWF19L1-related disorder. Also called: CWF19L1-related condition.
Autosomal recessive spinocerebellar ataxia 17. Identifiers: Orphanet 453521, MedGen C4015301, MONDO:0014503, OMIM 616127.

Allele frequency attached by ClinVar (database versions not stated): gnomAD exomes below 0.00001.

Submissions (4):

Genomic Medicine Center of Excellence, King Faisal Specialist Hospital and Research Centre
Classification: Pathogenic for Autosomal recessive spinocerebellar ataxia 17. Last evaluated: 2025-09-10. Review status: criteria provided, single submitter. Criteria: ACMG Guidelines, 2015. Collection method: clinical testing. Allele origin: germline.

Blueprint Genetics
Classification: Likely pathogenic for CWF19L1-related disorders. Last evaluated: 2024-05-03. Review status: criteria provided, single submitter. Criteria: ACMG Guidelines, 2015. Collection method: clinical testing. Allele origin: germline. Affected: yes. Observed: 2 variant alleles.

MGZ Medical Genetics Center
Classification: Pathogenic for Autosomal recessive spinocerebellar ataxia 17. Last evaluated: 2022-07-04. Review status: criteria provided, single submitter. Criteria: ACMG Guidelines, 2015. Collection method: clinical testing. Allele origin: germline. Affected: yes. Observed: 1 variant allele.
Comment: ACMG criteria applied: PVS1, PM2_SUP, PM3_SUP

Biochemical Molecular Genetic Laboratory, King Abdulaziz Medical City
Classification: Likely pathogenic for Autosomal recessive spinocerebellar ataxia 17. Last evaluated: 2019-09-26. Review status: no assertion criteria provided. Collection method: clinical testing. Allele origin: germline. Affected: yes. Not counted in ClinVar's aggregate classification.

NM_018294.6(CWF19L1):c.605dup (p.Tyr202Ter)

Gene: CWF19L1 (CWF19 like cell cycle control factor 1; minus strand). Cytogenetic location: 10q24.31.
Variant type: Duplication.
Coding change: c.605dup on transcript NM_018294.6 (MANE Select); coding-DNA position 605, one base duplicated (A; older notation c.605dupA).
Protein change: p.Tyr202Ter; replaces tyrosine 202 with a stop codon.
Molecular consequence: nonsense. On other transcripts: 5 prime UTR variant (1).
Genome position (GRCh38, 1-based): chr10:100,253,439, T duplicated on the plus strand (A on the coding strand, the reverse complement: CWF19L1 is on the minus strand). VCF-style (leftmost placement, unchanged base first): chr10-100253438-A-AT. GRCh37 (hg19) VCF-style: chr10-102013195-A-AT.
Other names: c.605dup, p.Tyr202Ter (NM_001303404.2); c.194dup, p.Tyr65Ter (NM_001303405.2, NM_001303406.2); c.-131dup (NM_001303407.2); short protein forms Y202*, Y65*.
Identifiers: ClinVar variation 800879 (VCV000800879.5), dbSNP rs1589625941, ClinGen allele CA915947589.
Genomic context (GRCh38, chr10:100,253,438, plus strand): 5'-GGCAAATTCTTCAAAAAGCCAAGAAGAATGAAATGCTACTCACCGATATGGAAGCCTCTC[A>AT]TAATAGGTCTTTTCCAAAGCAGCAAAATGGTATCTTGGTTTCAAGCCCGTGGCAAGACTG-3'